The following is an entry in ClinVar:

NM_013386.5(SLC25A24):c.869A>G (p.Glu290Gly)

Gene: SLC25A24 (solute carrier family 25 member 24; minus strand). Cytogenetic location: 1p13.3.
Variant type: single nucleotide variant.
Coding change: c.869A>G on transcript NM_013386.5 (MANE Select); coding-DNA position 869, A replaced by G.
Protein change: p.Glu290Gly; replaces glutamic acid 290 with glycine.
Molecular consequence: missense variant.
Genome position (GRCh38, 1-based): chr1:108,148,340, T>C on the plus strand (A>G on the coding strand, the complement: SLC25A24 is on the minus strand). VCF-style: chr1-108148340-T-C. GRCh37 (hg19) VCF-style: chr1-108690962-T-C.
Other names: c.812A>G, p.Glu271Gly (NM_213651.3); c.869A>G (NM_013386.3); short protein forms E271G, E290G.
Identifiers: ClinVar variation 1305985 (VCV001305985.3), dbSNP rs879578204, ClinGen allele CA28539303.
Genomic context (GRCh38, chr1:108,148,340, plus strand): 5'-TCCATTGGATATATAAAAGTCTGTGCAGTTGCTCCAGCCATGGAACCAGAAATAAATCTC[T>C]CAAATGTTCCTATTTTTTGTCCTTCTTCAGTAAGTAACTTCTTGTACTGTATAAACAAGT-3'
Protein context (NP_037518.3, residues 280-300): TEEGQKIGTF[Glu290Gly]RFISGSMAGA

ClinVar aggregate classification (germline): Uncertain significance. Review status: criteria provided, multiple submitters, no conflicts (2 of 4 stars). 2 submissions from 2 submitters: Uncertain significance (2). Last evaluated 2025-06-19.

Conditions:
Inborn genetic diseases. Identifiers: MedGen C0950123, MeSH D030342.

Allele frequency attached by ClinVar (database versions not stated): gnomAD exomes below 0.00001; TOPMed 0.00001.
gnomAD v4.1: 1 of 1,612,844 alleles (0.000062%); highest among the groups gnomAD compares: Non-Finnish European, 0.000085%; no homozygotes.

Submissions (2):

Ambry Genetics
Classification: Uncertain significance for Inborn genetic diseases. Last evaluated: 2025-06-19. Review status: criteria provided, single submitter. Criteria: Ambry Variant Classification Scheme 2023. Collection method: clinical testing. Allele origin: germline.

GeneDx
Classification: Uncertain significance. Last evaluated: 2019-06-10. Review status: criteria provided, single submitter. Criteria: GeneDx Variant Classification Process June 2021. Collection method: clinical testing. Allele origin: germline. Affected: yes.
Comment: Not observed in large population cohorts (Lek et al., 2016); In silico analysis, which includes protein predictors and evolutionary conservation, supports a deleterious effect; Has not been previously published as pathogenic or benign to our knowledge